The following is an entry in ClinVar:

NM_001161403.3(LIMS2):c.879-1G>A

Gene: LIMS2 (LIM zinc finger domain containing 2; minus strand). Cytogenetic location: 2q14.3.
Variant type: single nucleotide variant.
Coding change: c.879-1G>A on transcript NM_001161403.3 (MANE Select); the canonical splice acceptor site of the intron before coding-DNA position 879, G replaced by A.
Molecular consequence: splice acceptor variant.
Genome position (GRCh38, 1-based): chr2:127,639,429, C>T on the plus strand (G>A on the coding strand, the complement: LIMS2 is on the minus strand). VCF-style: chr2-127639429-C-T. GRCh37 (hg19) VCF-style: chr2-128397004-C-T.
Other names: c.864-1G>A (NM_001161404.2); c.945-1G>A (NM_001136037.4); c.951-1G>A (NM_017980.5); c.423-1G>A (NM_001256542.2).
Identifiers: ClinVar variation 851713 (VCV000851713.9), dbSNP rs1682170683, ClinGen allele CA348424068.

ClinVar aggregate classification (germline): Uncertain significance (1 of 4 stars; one submission).

Conditions:
Autosomal recessive limb-girdle muscular dystrophy type 2W (MDRCMTT). Also called: Muscular dystrophy, limb-girdle, type 2W; Muscular dystrophy, autosomal recessive, with cardiomyopathy and triangular tongue. Identifiers: MedGen C4225192, MONDO:0014788, OMIM 616827.

Submissions (2):

Labcorp Genetics (formerly Invitae), Labcorp
Classification: Uncertain significance for Autosomal recessive limb-girdle muscular dystrophy type 2W. Last evaluated: 2022-07-19. Review status: criteria provided, single submitter. Criteria: Invitae Variant Classification Sherloc (09022015). Collection method: clinical testing. Allele origin: germline.
Comment: In summary, the available evidence is currently insufficient to determine the role of this variant in disease. Therefore, it has been classified as a Variant of Uncertain Significance. Variants that disrupt the consensus splice site are a relatively common cause of aberrant splicing (PMID: 17576681, 9536098). Algorithms developed to predict the effect of sequence changes on RNA splicing suggest that this variant may disrupt the consensus splice site. ClinVar contains an entry for this variant (Variation ID: 851713). This variant has not been reported in the literature in individuals affected with LIMS2-related conditions. This variant is not present in population databases (gnomAD no frequency). This sequence change falls in intron 10 of the LIMS2 gene. It does not directly change the encoded amino acid sequence of the LIMS2 protein. It affects a nucleotide within the consensus splice site.

Dr. Peter K. Rogan Lab, Western University
No classification provided (evidence only). Condition: Thyroid cancer, nonmedullary, 1. Review status: no classification provided. Collection method: in vitro. Allele origin: not applicable. Functional consequence: retained intron. Not counted in ClinVar's aggregate classification.

Literature cited by the submitters: PubMed 17576681 (cited by Labcorp Genetics (formerly Invitae), Labcorp); PubMed 9536098 (cited by Labcorp Genetics (formerly Invitae), Labcorp).